The following is an entry in ClinVar:

ClinVar aggregate classification (germline): Uncertain significance. Review status: criteria provided, multiple submitters, no conflicts (2 of 4 stars). 2 submissions from 2 submitters: Uncertain significance (2). Last evaluated 2026-08-23.

Conditions:
Inborn genetic diseases. Identifiers: MedGen C0950123, MeSH D030342.
Amelocerebrohypohidrotic syndrome (KTZS). Also called: Kohlschutter's syndrome; EPILEPSY AND YELLOW TEETH; EPILEPSY, DEMENTIA, AND AMELOGENESIS IMPERFECTA; KOHLSCHUTTER SYNDROME. Identifiers: Orphanet 1946, MedGen C0406740, MONDO:0009185, OMIM 226750.

Allele frequency attached by ClinVar (database versions not stated): gnomAD exomes below 0.00001 and 0.00001; ExAC 0.00001; gnomAD 0.00001; TOPMed 0.00001.

Submissions (2):

Ambry Genetics
Classification: Uncertain significance for Inborn genetic diseases. Last evaluated: 2026-08-23. Review status: criteria provided, single submitter. Criteria: Ambry Variant Classification Scheme 2023. Collection method: clinical testing. Allele origin: germline.

Labcorp Genetics (formerly Invitae), Labcorp
Classification: Uncertain significance for Amelocerebrohypohidrotic syndrome. Last evaluated: 2022-10-25. Review status: criteria provided, single submitter. Criteria: Invitae Variant Classification Sherloc (09022015). Collection method: clinical testing. Allele origin: germline.
Comment: This sequence change replaces valine, which is neutral and non-polar, with methionine, which is neutral and non-polar, at codon 244 of the ROGDI protein (p.Val244Met). This variant is present in population databases (rs748820137, gnomAD 0.01%). This variant has not been reported in the literature in individuals affected with ROGDI-related conditions. ClinVar contains an entry for this variant (Variation ID: 1351183). Algorithms developed to predict the effect of missense changes on protein structure and function are either unavailable or do not agree on the potential impact of this missense change (SIFT: "Deleterious"; PolyPhen-2: "Possibly Damaging"; Align-GVGD: "Class C0"). In summary, the available evidence is currently insufficient to determine the role of this variant in disease. Therefore, it has been classified as a Variant of Uncertain Significance.

NM_024589.3(ROGDI):c.730G>A (p.Val244Met)

Gene: ROGDI (rogdi atypical leucine zipper; minus strand). Cytogenetic location: 16p13.3.
Variant type: single nucleotide variant.
Coding change: c.730G>A on transcript NM_024589.3 (MANE Select); coding-DNA position 730, G replaced by A.
Protein change: p.Val244Met; replaces valine 244 with methionine.
Molecular consequence: missense variant. On other transcripts: non-coding transcript variant (1).
Genome position (GRCh38, 1-based): chr16:4,797,806, C>T on the plus strand (G>A on the coding strand, the complement: ROGDI is on the minus strand). VCF-style: chr16-4797806-C-T. GRCh37 (hg19) VCF-style: chr16-4847807-C-T.
Other names: c.730G>A (NM_024589.1); short protein forms V244M.
Identifiers: ClinVar variation 1351183 (VCV001351183.7), dbSNP rs748820137, ClinGen allele CA7882505.